The following is an entry in ClinVar:

ClinVar aggregate classification (germline): Likely benign (1 of 4 stars; one submission).

Allele frequency attached by ClinVar (database versions not stated): gnomAD exomes 0.00009; gnomAD 0.00016; TOPMed 0.00016; ESP Exome Variant Server 0.00019; 1000 Genomes Project 30x 0.00021.
gnomAD v4.1: 112 of 1,190,815 alleles (0.0094%); highest among the groups gnomAD compares: Admixed American, 0.04%; no homozygotes.

Submission:

CeGaT Center for Human Genetics Tuebingen
Classification: Likely benign. Last evaluated: 2026-07-01. Review status: criteria provided, single submitter. Criteria: CeGaT Center For Human Genetics Tuebingen Variant Classification Criteria Version 2. Collection method: clinical testing. Allele origin: germline. Affected: yes. Observed: 2 variant alleles.
Comment: WNK3: BP4, BS2

NM_020922.5(WNK3):c.5243C>T (p.Ala1748Val)

Gene: WNK3 (WNK lysine deficient protein kinase 3; minus strand). Cytogenetic location: Xp11.22.
Variant type: single nucleotide variant.
Coding change: c.5243C>T on transcript NM_020922.5 (MANE Select); coding-DNA position 5243, C replaced by T.
Protein change: p.Ala1748Val; replaces alanine 1748 with valine.
Molecular consequence: missense variant.
Genome position (GRCh38, 1-based): chrX:54,198,484, G>A on the plus strand (C>T on the coding strand, the complement: WNK3 is on the minus strand). VCF-style: chrX-54198484-G-A. GRCh37 (hg19) VCF-style: chrX-54224917-G-A.
Other names: c.5072C>T, p.Ala1691Val (NM_001002838.4, NM_001395166.1); short protein forms A1691V, A1748V.
Identifiers: ClinVar variation 2660657 (VCV002660657.24), dbSNP rs199996615, ClinGen allele CA10424115.
Genomic context (GRCh38, chrX:54,198,484, plus strand): 5'-GGAATTACTACAGATTGTTGTGTTGTTCCTGAAATTCCTACCCACTGTACTGGATACCCC[G>A]CCCCCGCCACAGCATTATACTGACAAACGTGAGGCATTCCATATGATGATAATGGCCCAG-3'
Protein context (NP_065973.2, residues 1738-1758): HVCQYNAVAG[Ala1748Val]GYPVQWVGIS